The following is an entry in ClinVar:

NM_001943.5(DSG2):c.166G>A (p.Val56Met)

Gene: DSG2 (desmoglein 2; plus strand). Cytogenetic location: 18q12.1.
Variant type: single nucleotide variant.
Coding change: c.166G>A on transcript NM_001943.5 (MANE Select); coding-DNA position 166, G replaced by A.
Protein change: p.Val56Met; replaces valine 56 with methionine.
Molecular consequence: missense variant.
Genome position (GRCh38, 1-based): chr18:31,519,887, G>A. VCF-style: chr18-31519887-G-A. GRCh37 (hg19) VCF-style: chr18-29099850-G-A.
Other names: p.V56M:GTG>ATG; short protein forms V56M.
Identifiers: ClinVar variation 16818 (VCV000016818.110), dbSNP rs121913013, ClinGen allele CA021523.

ClinVar aggregate classification (germline): Conflicting classifications of pathogenicity. Review status: criteria provided, conflicting classifications (1 of 4 stars). 31 submissions from 29 submitters: Uncertain significance (2); Benign (1); Likely benign (17). 11 of the submissions do not count toward it. Last evaluated 2026-09-01.

Conditions:
DSG2-related disorder. Also called: DSG2-related condition.
Cardiovascular phenotype. Identifiers: MedGen CN230736.
Arrhythmogenic right ventricular cardiomyopathy (ARVD). Also called: Arrhythmogenic right ventricular dysplasia; Arrhythmogenic cardiomyopathy; Arrhythmogenic Right Ventricular Cardiomyopathy (ARVC); Cardiomyopathy, ARVC. Identifiers: Orphanet 247, MedGen C0349788, MeSH D019571, MONDO:0016587. Disease mechanism: loss of function. Inheritance: Various modes of inheritance.
Cardiomyopathy (CMYO). Also called: Cardiomyopathies. Identifiers: Orphanet 167848, MedGen C0878544, MONDO:0004994, HP:0001638. Inheritance: Various modes of inheritance.
Long QT syndrome (LQTS). Identifiers: MedGen C0023976, MeSH D008133, MONDO:0002442. Disease mechanism: loss of function. Inheritance: Various modes of inheritance.
Catecholaminergic polymorphic ventricular tachycardia 1. Also called: VENTRICULAR TACHYCARDIA, STRESS-INDUCED POLYMORPHIC 1; RYR2-Related Catecholaminergic Polymorphic Ventricular Tachycardia; VENTRICULAR TACHYCARDIA, CATECHOLAMINERGIC POLYMORPHIC, 1, WITH OR WITHOUT ATRIAL DYSFUNCTION AND/OR DILATED CARDIOMYOPATHY. Identifiers: Orphanet 3286, MedGen C1631597, MONDO:0011484, OMIM 604772.
Dilated cardiomyopathy 1BB (CMD1BB). Also called: CARDIOMYOPATHY, DILATED, 1BB, SUSCEPTIBILITY TO. Identifiers: Orphanet 154, MedGen C2752072, MONDO:0013030, OMIM 612877.
Arrhythmogenic right ventricular dysplasia 10. Also called: Arrhythmogenic Right Ventricular Dysplasia/Cardiomyopathy10; ARRHYTHMOGENIC RIGHT VENTRICULAR DYSPLASIA, FAMILIAL, 10; Arrhythmogenic right ventricular dysplasia/cardiomyopathy, type 10. Identifiers: MedGen C1857777, MONDO:0012434, OMIM 610193.
Primary familial hypertrophic cardiomyopathy (HCM). Identifiers: Orphanet 99739, MedGen C0949658, MeSH D024741, MONDO:0024573. Inheritance: Various modes of inheritance.

Allele frequency attached by ClinVar (database versions not stated): 1000 Genomes Project 30x 0.00016; gnomAD 0.00150; TOPMed 0.00182; ExAC 0.00187; gnomAD exomes 0.00189 and 0.00256; 1000 Genomes Project 0.00020.
gnomAD v4.1: 3,945 of 1,614,130 alleles (0.24%); highest among the groups gnomAD compares: Non-Finnish European, 0.31%; 9 homozygotes.

Submissions 1 to 15 of 31:

CeGaT Center for Human Genetics Tuebingen
Classification: Likely benign. Last evaluated: 2026-09-01. Review status: criteria provided, single submitter. Criteria: CeGaT Center For Human Genetics Tuebingen Variant Classification Criteria Version 2. Collection method: clinical testing. Allele origin: germline. Affected: yes. Observed: 7 variant alleles.
Comment: DSG2: BP4, BS2

Labcorp Genetics (formerly Invitae), Labcorp
Classification: Likely benign for Arrhythmogenic right ventricular dysplasia 10. Last evaluated: 2026-02-03. Review status: criteria provided, single submitter. Criteria: Invitae Variant Classification Sherloc (09022015). Collection method: clinical testing. Allele origin: germline.

Mayo Clinic Laboratories, Mayo Clinic
Classification: Likely benign. Last evaluated: 2025-12-16. Review status: criteria provided, single submitter. Criteria: ACMG Guidelines, 2015. Collection method: clinical testing. Allele origin: germline. Observed: 6 variant alleles.
Comment: BS1

Molecular Diagnostic Laboratory for Inherited Cardiovascular Disease, Montreal Heart Institute
Classification: Likely benign. Last evaluated: 2025-04-08. Review status: criteria provided, single submitter. Criteria: ACMG Guidelines, 2015. Collection method: clinical testing. Allele origin: germline. Affected: no.

All of Us Research Program, National Institutes of Health
Classification: Likely benign for Arrhythmogenic right ventricular cardiomyopathy. Last evaluated: 2024-02-05. Review status: criteria provided, single submitter. Criteria: ACMG Guidelines, 2015. Collection method: clinical testing. Allele origin: germline. Inheritance: Autosomal dominant inheritance. Observed: 536 variant alleles, 535 heterozygotes, 1 homozygote.
Comment: This study involves interpretation of variants in research participants for the purpose of population health screening. Participant phenotype was not available at the time of variant classification. Additional details can be found in publication PMID: 35346344, PMCID: PMC8962531

ARUP Laboratories, Molecular Genetics and Genomics, ARUP Laboratories
Classification: Likely benign. Last evaluated: 2024-01-11. Review status: criteria provided, single submitter. Criteria: ARUP Molecular Germline Variant Investigation Process 2024. Collection method: clinical testing. Allele origin: germline.

Women's Health and Genetics/Laboratory Corporation of America, LabCorp
Classification: Likely benign. Last evaluated: 2023-08-28. Review status: criteria provided, single submitter. Criteria: LabCorp Variant Classification Summary - May 2015. Collection method: clinical testing. Allele origin: germline.
Comment: Variant summary: DSG2 c.166G>A (p.Val56Met) results in a conservative amino acid change in the encoded protein sequence. Three of five in-silico tools predict a damaging effect of the variant on protein function. The variant allele was found at a frequency of 0.0019 in 253524 control chromosomes in the gnomAD database, including 2 homozygotes. The observed variant frequency is approximately 8 fold of the estimated maximal expected allele frequency for a pathogenic variant in DSG2 causing Arrhythmogenic Right Ventricular Dysplasia/Cardiomyopathy phenotype (0.00025), strongly suggesting that the variant is benign. c.166G>A has been reported in the literature in individuals affected with Arrhythmogenic Right Ventricular Dysplasia/Cardiomyopathy and DCM (Syrris_2007, Posch_2008, Christensen_2010, Dalal_2009, Bhuyian_2009, Quarta_2011). However, the high presence of the variant in the general population and in controls suggests against a disease causing role for this variant. To our knowledge, no experimental evidence demonstrating an impact on protein function has been reported. The following publications have been ascertained in the context of this evaluation (PMID: 18382419, 18678517, 17105751, 19039334, 19358943, 20031616, 19955750, 20152563, 20857253, 20716751, 21606390, 20864495, 19569224, 21455723, 20031617, 29038103, 35087879). Multiple submitters have cited clinical-significance assessments for this variant to ClinVar after 2014 and classified as likely benign (n=9) and VUS (n=4). Based on the evidence outlined above, the variant was classified as likely benign.

Mendelics
Classification: Benign. Last evaluated: 2023-08-22. Review status: criteria provided, single submitter. Criteria: Mendelics Assertion Criteria 2019. Collection method: clinical testing. Allele origin: germline.

Department of Pathology and Laboratory Medicine, Sinai Health System
Classification: Likely benign for arrhythmogenic right ventricular cardiomyopathy. Last evaluated: 2023-02-06. Review status: criteria provided, single submitter. Criteria: ACMG Guidelines, 2015. Collection method: research. Allele origin: germline.

CHEO Genetics Diagnostic Laboratory, Children's Hospital of Eastern Ontario
Classification: Likely benign for Cardiomyopathy. Last evaluated: 2022-02-03. Review status: criteria provided, single submitter. Criteria: ACMG Guidelines, 2015. Collection method: clinical testing. Allele origin: germline. Study: Canadian Open Genetics Repository.

Victorian Clinical Genetics Services, Murdoch Childrens Research Institute
Classification: Likely benign for Dilated cardiomyopathy 1BB. Last evaluated: 2021-05-06. Review status: criteria provided, single submitter. Criteria: ACMG Guidelines, 2015. Collection method: clinical testing. Allele origin: germline.
Comment: Based on the classification scheme VCGS_Germline_v1.3.4, this variant is classified as Likely benign. Following criteria are met: 0103 - Loss of function and gain of function are reported mechanisms of disease in this gene and are associated with arrhythmogenic right ventricular dysplasia 10 (ARVD 10; MIM#610193) and dilated cardiomyopathy 1BB (DCM; MIM#612877) (ClinVar, PMID: 23071725). (I) 0108 - This gene is associated with both recessive and dominant disease. It is commonly associated to dominant inheritance, however recessive has been reported in severe DCM patients (OMIM). (I) 0112 - The ARVD condition associated with this gene has incomplete penetrance (OMIM). (I) 0200 - Variant is predicted to result in a missense amino acid change from valine to methionine. (I) 0251 - This variant is heterozygous. (I) 0308 - Population frequency for this variant is out of keeping with known incidence of dilated cardiomyopathy 1BB (MIM#612877). (SB) 0309 - An alternative amino acid change at the same position has been observed in gnomAD (v2, v3) (1 heterozygote, 0 homozygotes). (I) 0502 - Missense variant with conflicting in silico predictions and uninformative conservation. (I) 0600 - Variant is located in the annotated cadherin 1 domain (Uniprot). (I) 0705 - No comparable missense variants have previous evidence for pathogenicity. (I) 0808 - Previous reports of pathogenicity for this variant are conflicting. This variant has been reported many times as both a VUS, but more recently and commonly as likely benign (ClinVar, LOVD, PMID: 28087566, PMID: 32268277, PMID: 28472724). (I) 1208 - Inheritance information for this variant is not currently available in this individual. (I) Legend: (SP) - Supporting pathogenic, (I) - Information, (SB) - Supporting benign

Equipe Genetique des Anomalies du Developpement, Université de Bourgogne
Classification: Likely benign for Arrhythmogenic right ventricular dysplasia 10. Last evaluated: 2018-11-21. Review status: criteria provided, single submitter. Criteria: ACMG Guidelines, 2015. Collection method: clinical testing. Allele origin: unknown.

Ambry Genetics
Classification: Likely benign for Cardiovascular phenotype. Last evaluated: 2018-10-29. Review status: criteria provided, single submitter. Criteria: Ambry Variant Classification Scheme 2023. Collection method: clinical testing. Allele origin: germline.

Color Diagnostics, LLC DBA Color Health
Classification: Likely benign for Cardiomyopathy. Last evaluated: 2018-04-08. Review status: criteria provided, single submitter. Criteria: ACMG Guidelines, 2015. Collection method: clinical testing. Allele origin: germline.

Center for Advanced Laboratory Medicine, UC San Diego Health, University of California San Diego
Classification: Likely benign for Long QT Syndrome. Last evaluated: 2018-02-11. Review status: criteria provided, single submitter. Criteria: ACMG Guidelines, 2015. Collection method: clinical testing. Allele origin: germline. Affected: yes. Observed: 1 variant allele.